The following is an entry in ClinVar:

NM_001173990.3(TMEM216):c.254G>A (p.Arg85Gln)

Gene: TMEM216 (transmembrane protein 216; plus strand). Cytogenetic location: 11q12.2.
Variant type: single nucleotide variant.
Coding change: c.254G>A on transcript NM_001173990.3 (MANE Select); coding-DNA position 254, G replaced by A.
Protein change: p.Arg85Gln; replaces arginine 85 with glutamine.
Molecular consequence: missense variant.
Genome position (GRCh38, 1-based): chr11:61,397,798, G>A. VCF-style: chr11-61397798-G-A. GRCh37 (hg19) VCF-style: chr11-61165270-G-A.
Other names: c.254G>A, p.Arg85Gln (NM_001173991.3); c.71G>A, p.Arg24Gln (NM_001330285.2, NM_016499.6); short protein forms R85Q, R24Q.
Identifiers: ClinVar variation 851043 (VCV000851043.4), dbSNP rs368617773, ClinGen allele CA6034734.
Genomic context (GRCh38, chr11:61,397,798, plus strand): 5'-CCATTTGGAGATGACTCCATGGGCTGTGTCTGACAGGTACAAAGGGAAACCTCTGCCAGC[G>A]AAAGATGCCGCTCAGTATTAGCGTGGCCTTGACCTTCCCATCTGCCATGATGGCCTCCTA-3'
Protein context (NP_001167461.1, residues 75-95): FFGTKGNLCQ[Arg85Gln]KMPLSISVAL

ClinVar aggregate classification (germline): Uncertain significance. Review status: criteria provided, single submitter (1 of 4 stars). 2 submissions from 2 submitters: Uncertain significance (1). 1 of the submissions does not count toward it. Last evaluated 2022-03-04.

Conditions:
Joubert syndrome 2 (JBTS2). Also called: CEREBELLOOCULORENAL SYNDROME 2. Identifiers: Orphanet 2318, MedGen C1842577, MONDO:0011963, OMIM 608091.
Joubert syndrome. Also called: CEREBELLOPARENCHYMAL DISORDER IV; JOUBERT-BOLTSHAUSER SYNDROME; Familial aplasia of the vermis. Identifiers: Orphanet 475, MedGen C5979921, MONDO:0018772.

Allele frequency attached by ClinVar (database versions not stated): gnomAD exomes 0.00002 and 0.00005; TOPMed 0.00003; gnomAD 0.00004; ExAC 0.00005; ESP Exome Variant Server 0.00016.
gnomAD v4.1: 81 of 1,613,398 alleles (0.005%); highest among the groups gnomAD compares: South Asian, 0.021%; no homozygotes.

Submissions (2):

Labcorp Genetics (formerly Invitae), Labcorp
Classification: Uncertain significance for Joubert syndrome. Last evaluated: 2022-03-04. Review status: criteria provided, single submitter. Criteria: Invitae Variant Classification Sherloc (09022015). Collection method: clinical testing. Allele origin: germline.
Comment: This sequence change replaces arginine, which is basic and polar, with glutamine, which is neutral and polar, at codon 85 of the TMEM216 protein (p.Arg85Gln). This variant is present in population databases (rs368617773, gnomAD 0.02%). This variant has not been reported in the literature in individuals affected with TMEM216-related conditions. ClinVar contains an entry for this variant (Variation ID: 851043). Algorithms developed to predict the effect of missense changes on protein structure and function (SIFT, PolyPhen-2, Align-GVGD) all suggest that this variant is likely to be disruptive. In summary, the available evidence is currently insufficient to determine the role of this variant in disease. Therefore, it has been classified as a Variant of Uncertain Significance.

Natera, Inc.
Classification: Uncertain significance for Joubert syndrome type 2. Last evaluated: 2020-09-16. Review status: no assertion criteria provided. Collection method: clinical testing. Allele origin: germline. Not counted in ClinVar's aggregate classification.